The following is an entry in ClinVar:

ClinVar aggregate classification (germline): Uncertain significance (1 of 4 stars; one submission).

Conditions:
Arrhythmogenic cardiomyopathy with wooly hair and keratoderma. Also called: PALMOPLANTAR KERATODERMA WITH LEFT VENTRICULAR CARDIOMYOPATHY AND WOOLLY HAIR; Dilated cardiomyopathy with woolly hair and keratoderma; Arrhythmogenic cardiomyopathy with woolly hair and keratoderma; Carvajal syndrome. Identifiers: Orphanet 65282, MedGen C1854063, MONDO:0011581, OMIM 605676.
Arrhythmogenic right ventricular dysplasia 8 (ARVD8). Also called: Arrhythmogenic Right Ventricular Dysplasia/Cardiomyopathy 8; ARRHYTHMOGENIC RIGHT VENTRICULAR DYSPLASIA, FAMILIAL, 8; ARRHYTHMOGENIC RIGHT VENTRICULAR CARDIOMYOPATHY 8. Identifiers: MedGen C1843896, MONDO:0011831, OMIM 607450.

Allele frequency attached by ClinVar (database versions not stated): gnomAD exomes below 0.00001.
gnomAD v4.1: 2 of 1,614,140 alleles (0.00012%); highest among the groups gnomAD compares: Non-Finnish European, 0.00017%; no homozygotes.

Submission:

Labcorp Genetics (formerly Invitae), Labcorp
Classification: Uncertain significance for Arrhythmogenic cardiomyopathy with wooly hair and keratoderma; Arrhythmogenic right ventricular dysplasia 8. Last evaluated: 2022-03-08. Review status: criteria provided, single submitter. Criteria: Invitae Variant Classification Sherloc (09022015). Collection method: clinical testing. Allele origin: germline.
Comment: In summary, the available evidence is currently insufficient to determine the role of this variant in disease. Therefore, it has been classified as a Variant of Uncertain Significance. Algorithms developed to predict the effect of missense changes on protein structure and function are either unavailable or do not agree on the potential impact of this missense change (SIFT: "Tolerated"; PolyPhen-2: "Probably Damaging"; Align-GVGD: "Class C0"). This variant has not been reported in the literature in individuals affected with DSP-related conditions. This variant is not present in population databases (gnomAD no frequency). This sequence change replaces alanine, which is neutral and non-polar, with serine, which is neutral and polar, at codon 519 of the DSP protein (p.Ala519Ser).

NM_004415.4(DSP):c.1555G>T (p.Ala519Ser)

Gene: DSP (desmoplakin; plus strand). Cytogenetic location: 6p24.3.
Variant type: single nucleotide variant.
Coding change: c.1555G>T on transcript NM_004415.4 (MANE Select); coding-DNA position 1555, G replaced by T.
Protein change: p.Ala519Ser; replaces alanine 519 with serine.
Molecular consequence: missense variant.
Genome position (GRCh38, 1-based): chr6:7,569,321, G>T. VCF-style: chr6-7569321-G-T. GRCh37 (hg19) VCF-style: chr6-7569554-G-T.
Other names: c.1555G>T, p.Ala519Ser (NM_001008844.3, NM_001319034.2); short protein forms A519S.
Identifiers: ClinVar variation 1413200 (VCV001413200.8), dbSNP rs2113675699, ClinGen allele CA362677823.